The following is an entry in ClinVar:

ClinVar aggregate classification (germline): Likely benign. Review status: criteria provided, multiple submitters, no conflicts (2 of 4 stars). 3 submissions from 3 submitters: Likely benign (3). Last evaluated 2025-10-24.

Conditions:
Cardiovascular phenotype. Identifiers: MedGen CN230736.
Long QT syndrome (LQTS). Identifiers: MedGen C0023976, MeSH D008133, MONDO:0002442. Disease mechanism: loss of function. Inheritance: Various modes of inheritance.

Allele frequency attached by ClinVar (database versions not stated): gnomAD exomes below 0.00001.
gnomAD v4.1: 5 of 1,614,196 alleles (0.00031%); highest among the groups gnomAD compares: Non-Finnish European, 0.00042%; no homozygotes.

Submissions (3):

Labcorp Genetics (formerly Invitae), Labcorp
Classification: Likely benign for Long QT syndrome. Last evaluated: 2025-10-24. Review status: criteria provided, single submitter. Criteria: Invitae Variant Classification Sherloc (09022015). Collection method: clinical testing. Allele origin: germline.

Ambry Genetics
Classification: Likely benign for Cardiovascular phenotype. Last evaluated: 2023-03-18. Review status: criteria provided, single submitter. Criteria: Ambry Variant Classification Scheme 2023. Collection method: clinical testing. Allele origin: germline.

GeneDx
Classification: Likely benign. Last evaluated: 2015-12-16. Review status: criteria provided, single submitter. Criteria: GeneDx Variant Classification (06012015). Collection method: clinical testing. Allele origin: germline. Affected: yes.
Comment: This variant is considered likely benign or benign based on one or more of the following criteria: it is a conservative change, it occurs at a poorly conserved position in the protein, it is predicted to be benign by multiple in silico algorithms, and/or has population frequency not consistent with disease.

NM_000719.7(CACNA1C):c.3648C>T (p.Val1216=)

Gene: CACNA1C (calcium voltage-gated channel subunit alpha1 C; plus strand). Cytogenetic location: 12p13.33.
Variant type: single nucleotide variant.
Coding change: c.3648C>T on transcript NM_000719.7 (MANE Select); coding-DNA position 3648, C replaced by T.
Protein change: p.Val1216=; no amino-acid change (valine 1216 retained).
Molecular consequence: synonymous variant.
Genome position (GRCh38, 1-based): chr12:2,610,630, C>T. VCF-style: chr12-2610630-C-T. GRCh37 (hg19) VCF-style: chr12-2719796-C-T.
Other names: c.3708C>T, p.Val1236= (NM_001129827.2, NM_001129832.2, NM_199460.4); c.3648C>T, p.Val1216= (NM_001129829.2, NM_001129830.3, NM_001129831.2 and 15 more transcripts); c.3639C>T, p.Val1213= (NM_001129844.2).
Identifiers: ClinVar variation 382323 (VCV000382323.11), dbSNP rs1057521327, ClinGen allele CA16606248.